The following is an entry in ClinVar:

NM_004036.5(ADCY3):c.355A>G (p.Ile119Val)

Gene: ADCY3 (adenylate cyclase 3; minus strand). Cytogenetic location: 2p23.3.
Variant type: single nucleotide variant.
Coding change: c.355A>G on transcript NM_004036.5 (MANE Select); coding-DNA position 355, A replaced by G.
Protein change: p.Ile119Val; replaces isoleucine 119 with valine.
Molecular consequence: missense variant.
Genome position (GRCh38, 1-based): chr2:24,918,633, T>C on the plus strand (A>G on the coding strand, the complement: ADCY3 is on the minus strand). VCF-style: chr2-24918633-T-C. GRCh37 (hg19) VCF-style: chr2-25141502-T-C.
Other names: c.355A>G (NM_001320613.1); c.355A>G, p.Ile119Val (NM_001320613.2, NM_001377128.1, NM_001377129.1 and 2 more transcripts); short protein forms I119V.
Identifiers: ClinVar variation 2620992 (VCV002620992.5), dbSNP rs1012901262, ClinGen allele CA43653783.

ClinVar aggregate classification (germline): Uncertain significance. Review status: criteria provided, multiple submitters, no conflicts (2 of 4 stars). 3 submissions from 3 submitters: Uncertain significance (2). 1 of the submissions does not count toward it. Last evaluated 2024-11-22.

Conditions:
ADCY3-related disorder. Also called: ADCY3-related condition.
Inborn genetic diseases. Identifiers: MedGen C0950123, MeSH D030342.

Allele frequency attached by ClinVar (database versions not stated): gnomAD 0.00001; gnomAD exomes 0.00001; TOPMed 0.00002.
gnomAD v4.1: 11 of 1,613,988 alleles (0.00068%); highest among the groups gnomAD compares: Admixed American, 0.0017%; no homozygotes.

Submissions (3):

Labcorp Genetics (formerly Invitae), Labcorp
Classification: Uncertain significance. Last evaluated: 2024-11-22. Review status: criteria provided, single submitter. Criteria: Invitae Variant Classification Sherloc (09022015). Collection method: clinical testing. Allele origin: germline.
Comment: This sequence change replaces isoleucine, which is neutral and non-polar, with valine, which is neutral and non-polar, at codon 119 of the ADCY3 protein (p.Ile119Val). This variant is present in population databases (no rsID available, gnomAD 0.003%). This variant has not been reported in the literature in individuals affected with ADCY3-related conditions. ClinVar contains an entry for this variant (Variation ID: 2620992). An algorithm developed to predict the effect of missense changes on protein structure and function outputs the following: PolyPhen-2: "Benign". The valine amino acid residue is found in multiple mammalian species, which suggests that this missense change does not adversely affect protein function. In summary, the available evidence is currently insufficient to determine the role of this variant in disease. Therefore, it has been classified as a Variant of Uncertain Significance.

Ambry Genetics
Classification: Uncertain significance for Inborn genetic diseases. Last evaluated: 2023-08-22. Review status: criteria provided, single submitter. Criteria: Ambry Variant Classification Scheme 2023. Collection method: clinical testing. Allele origin: germline.

PreventionGenetics, part of Exact Sciences
Classification: Uncertain significance for ADCY3-related condition. Last evaluated: 2024-05-09. Review status: no assertion criteria provided. Collection method: clinical testing. Allele origin: germline. Not counted in ClinVar's aggregate classification.
Comment: The ADCY3 c.355A>G variant is predicted to result in the amino acid substitution p.Ile119Val. To our knowledge, this variant has not been reported in the literature. This variant is reported in 0.0029% of alleles in individuals of Latino descent in gnomAD. At this time, the clinical significance of this variant is uncertain due to the absence of conclusive functional and genetic evidence.